The following is an entry in ClinVar:

ClinVar aggregate classification (germline): Uncertain significance. Review status: criteria provided, multiple submitters, no conflicts (2 of 4 stars). 3 submissions from 3 submitters: Uncertain significance (3). Last evaluated 2025-09-25.

Conditions:
Inborn genetic diseases. Identifiers: MedGen C0950123, MeSH D030342.
Spinocerebellar ataxia type 11 (SCA11). Identifiers: Orphanet 98767, MedGen C1858351, MONDO:0011464, OMIM 604432.

Allele frequency attached by ClinVar (database versions not stated): gnomAD exomes below 0.00001 and 0.00001; TOPMed below 0.00001.

Submissions (3):

Ambry Genetics
Classification: Uncertain significance for Inborn genetic diseases. Last evaluated: 2025-09-25. Review status: criteria provided, single submitter. Criteria: Ambry Variant Classification Scheme 2023. Collection method: clinical testing. Allele origin: germline.

Athena Diagnostics
Classification: Uncertain significance. Last evaluated: 2023-10-27. Review status: criteria provided, single submitter. Criteria: Athena Diagnostics Criteria. Collection method: clinical testing. Allele origin: unknown.
Comment: Available data are insufficient to determine the clinical significance of the variant at this time. The frequency of this variant in the general population is uninformative in assessment of its pathogenicity. This variant has been seen where an alternate explanation for disease was also identified, suggesting this variant may not cause disease. Computational tools predict that this variant is not damaging.

Baylor Genetics
Classification: Uncertain significance for Spinocerebellar ataxia type 11. Last evaluated: 2019-04-07. Review status: criteria provided, single submitter. Criteria: ACMG Guidelines, 2015. Collection method: clinical testing. Allele origin: maternal. Affected: yes.
Comment: This variant was determined to be of uncertain significance according to ACMG Guidelines, 2015 [PMID:25741868].

NM_173500.4(TTBK2):c.2720A>G (p.Glu907Gly)

Gene: TTBK2 (tau tubulin kinase 2; minus strand). Cytogenetic location: 15q15.2.
Variant type: single nucleotide variant.
Coding change: c.2720A>G on transcript NM_173500.4 (MANE Select); coding-DNA position 2720, A replaced by G.
Protein change: p.Glu907Gly; replaces glutamic acid 907 with glycine.
Molecular consequence: missense variant.
Genome position (GRCh38, 1-based): chr15:42,752,526, T>C on the plus strand (A>G on the coding strand, the complement: TTBK2 is on the minus strand). VCF-style: chr15-42752526-T-C. GRCh37 (hg19) VCF-style: chr15-43044724-T-C.
Other names: short protein forms E907G.
Identifiers: ClinVar variation 1030321 (VCV001030321.3), dbSNP rs1476451255, ClinGen allele CA392071868.
Genomic context (GRCh38, chr15:42,752,526, plus strand): 5'-GCACCATGTTCATTCTCTGAAACACAATGAAATAGTTCTCCATTTCTAGGGGTGATTTTC[T>C]CTCTCTTGCCCTCTTGGTGCAAAAAAGTAGAGAGGTCTCCTTGATGACCTGGCAAGTCTT-3'
Protein context (NP_775771.3, residues 897-917): STFLHQEGKR[Glu907Gly]KITPRNGELF